The following is an entry in ClinVar:

ClinVar aggregate classification (germline): Conflicting classifications of pathogenicity. Review status: criteria provided, conflicting classifications (1 of 4 stars). 3 submissions from 3 submitters: Likely pathogenic (1); Uncertain significance (1). 1 of the submissions does not count toward it. Last evaluated 2023-12-22.

Conditions:
Autosomal recessive nonsyndromic hearing loss 9. Also called: NEUROSENSORY NONSYNDROMIC RECESSIVE DEAFNESS 9; OTOF-Related Hearing Loss; Deafness, autosomal recessive 9; AUDITORY NEUROPATHY, AUTOSOMAL RECESSIVE, 1, TEMPERATURE-SENSITIVE. Identifiers: Orphanet 90636, MedGen C1832828, MONDO:0010986, OMIM 601071.
Auditory neuropathy. Identifiers: MedGen C1852271, MONDO:0021944.

gnomAD v4.1: 1 of 1,613,626 alleles (0.000062%); highest among the groups gnomAD compares: East Asian, 0.0022%; no homozygotes.

Submissions (3):

WangQJ Lab, Chinese People's Liberation Army General Hospital
Classification: Likely pathogenic for Auditory neuropathy. Last evaluated: 2023-12-22. Review status: criteria provided, single submitter. Criteria: Submitter's publication. Collection method: research. Allele origin: germline. Affected: yes. Observed: 5 variant alleles.

Juno Genomics, Hangzhou Juno Genomics, Inc
Classification: Uncertain significance for Autosomal recessive nonsyndromic hearing loss 9. Review status: criteria provided, single submitter. Criteria: ACMG Guidelines, 2015. Collection method: clinical testing. Allele origin: germline. Affected: yes.
Comment: Absent from controls (or at extremely low frequency if recessive) in Genome Aggregation Database, Exome Sequencing Project, 1000 Genomes Project, or Exome Aggregation Consortium.;For recessive disorders, detected in trans with a pathogenic variant.;Co-segregation with disease in multiple affected family members in a gene definitively known to cause the disease.

Diagnosis and Treatment Center of Genetic Hearing Loss, Eye & ENT Hospital of Fudan University
Classification: Pathogenic for Autosomal recessive nonsyndromic hearing loss 9. Last evaluated: 2026-02-04. Review status: no assertion criteria provided. Collection method: clinical testing, in vivo. Allele origin: germline, not applicable. Inheritance: Autosomal recessive inheritance. Affected: yes. Clinical features observed: hearing loss. Functional consequence: Overall loss-of-function. Not counted in ClinVar's aggregate classification.
Comment: The c.5000C>A variant in OTOF was reclassified as Pathogenic based on PS3_Moderate (rescue experiments using an AAV‑hOTOF system demonstrated a deleterious effect), PM3_VeryStrong (detected in trans with a pathogenic variant in 13 probands), and PP4 (affected individuals exhibited features of auditory neuropathy).

NM_194248.3(OTOF):c.5000C>A (p.Ala1667Asp)

Gene: OTOF (otoferlin; minus strand). Cytogenetic location: 2p23.3.
Variant type: single nucleotide variant.
Coding change: c.5000C>A on transcript NM_194248.3 (MANE Select); coding-DNA position 5000, C replaced by A.
Protein change: p.Ala1667Asp; replaces alanine 1667 with aspartic acid.
Molecular consequence: missense variant.
Genome position (GRCh38, 1-based): chr2:26,464,067, G>T on the plus strand (C>A on the coding strand, the complement: OTOF is on the minus strand). VCF-style: chr2-26464067-G-T. GRCh37 (hg19) VCF-style: chr2-26686935-G-T.
Other names: c.5000C>A, p.Ala1667Asp (NM_001287489.2); c.2699C>A, p.Ala900Asp (NM_004802.4, NM_194323.3); c.2930C>A, p.Ala977Asp (NM_194322.3); short protein forms A1667D, A900D, A977D.
Identifiers: ClinVar variation 2683886 (VCV002683886.4), dbSNP rs1423274041, ClinGen allele CA346134147.